The following is an entry in ClinVar:

ClinVar aggregate classification (germline): Uncertain significance (1 of 4 stars; one submission).

Submission:

Labcorp Genetics (formerly Invitae), Labcorp
Classification: Uncertain significance. Last evaluated: 2022-04-16. Review status: criteria provided, single submitter. Criteria: Invitae Variant Classification Sherloc (09022015). Collection method: clinical testing. Allele origin: germline.
Comment: This variant is not present in population databases (gnomAD no frequency). This variant, c.1575_1577dup, results in the insertion of 1 amino acid(s) of the TNNI3K protein (p.Gly526dup), but otherwise preserves the integrity of the reading frame. This variant has not been reported in the literature in individuals affected with TNNI3K-related conditions. Algorithms developed to predict the effect of sequence changes on RNA splicing suggest that this variant may disrupt the consensus splice site. In summary, the available evidence is currently insufficient to determine the role of this variant in disease. Therefore, it has been classified as a Variant of Uncertain Significance.

NM_015978.3(TNNI3K):c.1575_1577dup (p.Gly526_Ala527insGly)

Genes: FPGT-TNNI3K (FPGT-TNNI3K readthrough; plus strand), TNNI3K (TNNI3 interacting kinase; plus strand). Cytogenetic location: 1p31.1.
Variant type: Duplication.
Coding change: c.1575_1577dup on transcript NM_015978.3 (MANE Select); coding-DNA positions 1575 to 1577, 3 bases duplicated (GGG; older notation c.1575_1577dupGGG).
Protein change: p.Gly526_Ala527insGly.
Molecular consequence: inframe insertion.
Genome position (GRCh38, 1-based): chr1:74,369,493-74,369,495, GGG duplicated. VCF-style (leftmost placement, unchanged base first): chr1-74369492-T-TGGG. GRCh37 (hg19) VCF-style: chr1-74835176-T-TGGG.
Other names: c.1878_1880dup, p.Gly627_Ala628insGly (NM_001112808.3, NM_001199327.2).
Identifiers: ClinVar variation 2126852 (VCV002126852.4), dbSNP rs2524471027, ClinGen allele CA2580063226.